The following is an entry in ClinVar:

ClinVar aggregate classification (germline): Uncertain significance. Review status: criteria provided, multiple submitters, no conflicts (2 of 4 stars). 5 submissions from 5 submitters: Uncertain significance (5). Last evaluated 2025-07-27.

Conditions:
Malignant hyperthermia, susceptibility to, 1 (MHS1). Also called: Anesthesia related hyperthermia; Malignant hyperpyrexia; Fulminating hyperpyrexia; Pharmacogenic myopathy; Malignant hyperthermia suceptibility 1; RYR1-Related Malignant Hyperthermia Susceptibility. Identifiers: Orphanet 423, MedGen C2930980, MONDO:0007783, OMIM 145600.
RYR1-related disorder. Also called: RYR1-related condition; RYR1-related disorders. Identifiers: MedGen CN239331.
Myopathy, RYR1-associated.

Allele frequency attached by ClinVar (database versions not stated): gnomAD exomes below 0.00001; TOPMed below 0.00001.
gnomAD v4.1: 5 of 1,614,130 alleles (0.00031%); highest among the groups gnomAD compares: Non-Finnish European, 0.00025%; no homozygotes.

Submissions (5):

Labcorp Genetics (formerly Invitae), Labcorp
Classification: Uncertain significance for RYR1-related disorder. Last evaluated: 2025-07-27. Review status: criteria provided, single submitter. Criteria: Invitae Variant Classification Sherloc (09022015). Collection method: clinical testing. Allele origin: germline.
Comment: This sequence change replaces leucine, which is neutral and non-polar, with valine, which is neutral and non-polar, at codon 543 of the RYR1 protein (p.Leu543Val). This variant is present in population databases (no rsID available, gnomAD 0.0009%). This variant has not been reported in the literature in individuals affected with RYR1-related conditions. ClinVar contains an entry for this variant (Variation ID: 638502). Invitae Evidence Modeling of protein sequence and biophysical properties (such as structural, functional, and spatial information, amino acid conservation, physicochemical variation, residue mobility, and thermodynamic stability) indicates that this missense variant is expected to disrupt RYR1 protein function with a positive predictive value of 95%. In summary, the available evidence is currently insufficient to determine the role of this variant in disease. Therefore, it has been classified as a Variant of Uncertain Significance.

Color Diagnostics, LLC DBA Color Health
Classification: Uncertain significance for Malignant hyperthermia, susceptibility to, 1. Last evaluated: 2025-06-17. Review status: criteria provided, single submitter. Criteria: ACMG Guidelines, 2015. Collection method: clinical testing. Allele origin: germline.
Comment: This missense variant replaces leucine with valine at codon 543 of the RYR1 protein. Computational prediction is inconclusive regarding the impact of this variant on protein structure and function. To our knowledge, functional studies have not been reported for this variant. This variant has not been reported in individuals affected with RYR1-related disorders in the literature. This variant has been identified in 1/251492 chromosomes in the general population by the Genome Aggregation Database (gnomAD). The available evidence is insufficient to determine the role of this variant in disease conclusively. Therefore, this variant is classified as a Variant of Uncertain Significance.

Revvity Omics, Revvity
Classification: Uncertain significance. Last evaluated: 2025-02-03. Review status: criteria provided, single submitter. Criteria: ACMG Guidelines, 2015. Collection method: clinical testing. Allele origin: germline.

All of Us Research Program, National Institutes of Health
Classification: Uncertain significance for Malignant hyperthermia, susceptibility to, 1. Last evaluated: 2023-08-15. Review status: criteria provided, single submitter. Criteria: ACMG Guidelines, 2015. Collection method: clinical testing. Allele origin: germline. Inheritance: Autosomal dominant inheritance. Observed: 1 variant allele, 1 heterozygote.
Comment: This study involves interpretation of variants in research participants for the purpose of population health screening. Participant phenotype was not available at the time of variant classification. Additional details can be found in publication PMID: 35346344, PMCID: PMC8962531

Genomic Research Center, Shahid Beheshti University of Medical Sciences
Classification: Uncertain significance for Myopathy, RYR1-associated. Last evaluated: 2019-04-27. Review status: criteria provided, single submitter. Criteria: ACMG Guidelines, 2015. Collection method: clinical testing. Allele origin: unknown. Affected: yes.

NM_000540.3(RYR1):c.1627T>G (p.Leu543Val)

Gene: RYR1 (ryanodine receptor 1; plus strand). Cytogenetic location: 19q13.2.
Variant type: single nucleotide variant.
Coding change: c.1627T>G on transcript NM_000540.3 (MANE Select); coding-DNA position 1627, T replaced by G.
Protein change: p.Leu543Val; replaces leucine 543 with valine.
Molecular consequence: missense variant.
Genome position (GRCh38, 1-based): chr19:38,455,501, T>G. VCF-style: chr19-38455501-T-G. GRCh37 (hg19) VCF-style: chr19-38946141-T-G.
Other names: c.1627T>G, p.Leu543Val (NM_001042723.2); short protein forms L543V.
Identifiers: ClinVar variation 638502 (VCV000638502.6), dbSNP rs946863283, ClinGen allele CA308123344.